The following is an entry in ClinVar:

ClinVar aggregate classification (germline): Uncertain significance (1 of 4 stars; one submission).

Conditions:
Drash syndrome (DDS). Also called: NEPHROPATHY, WILMS TUMOR, AND GENITAL ANOMALIES; WILMS TUMOR AND PSEUDO- OR TRUE HERMAPHRODITISM. Identifiers: Orphanet 220, MedGen C0950121, MONDO:0008682, OMIM 194080.
Frasier syndrome. Identifiers: Orphanet 347, MedGen C0950122, MeSH D052159, MONDO:0007635, OMIM 136680.
Wilms tumor 1 (WT1). Also called: Wilms tumor, somatic. Identifiers: Orphanet 654, MedGen CN033288, MONDO:0008679, OMIM 194070.
11p partial monosomy syndrome (WAGR). Also called: CHROMOSOME 11p13 DELETION SYNDROME; WAGR syndrome; WAGR Spectrum Disorder; WAGR Complex. Identifiers: Orphanet 893, MedGen C0206115, MONDO:0008681, OMIM 194072.

Submission:

Labcorp Genetics (formerly Invitae), Labcorp
Classification: Uncertain significance for Wilms tumor 1; Drash syndrome; 11p partial monosomy syndrome; Frasier syndrome. Last evaluated: 2022-08-23. Review status: criteria provided, single submitter. Criteria: Invitae Variant Classification Sherloc (09022015). Collection method: clinical testing. Allele origin: germline.
Comment: This sequence change replaces serine, which is neutral and polar, with arginine, which is basic and polar, at codon 322 of the WT1 protein (p.Ser322Arg). This variant is not present in population databases (gnomAD no frequency). This variant has not been reported in the literature in individuals affected with WT1-related conditions. ClinVar contains an entry for this variant (Variation ID: 1515755). Algorithms developed to predict the effect of missense changes on protein structure and function are either unavailable or do not agree on the potential impact of this missense change (SIFT: "Deleterious"; PolyPhen-2: "Benign"; Align-GVGD: "Class C0"). In summary, the available evidence is currently insufficient to determine the role of this variant in disease. Therefore, it has been classified as a Variant of Uncertain Significance.

NM_024426.6(WT1):c.979A>C (p.Ser327Arg)

Gene: WT1 (WT1 transcription factor; minus strand). Cytogenetic location: 11p13.
Variant type: single nucleotide variant.
Coding change: c.979A>C on transcript NM_024426.6 (MANE Select); coding-DNA position 979, A replaced by C.
Protein change: p.Ser327Arg; replaces serine 327 with arginine.
Molecular consequence: missense variant. On other transcripts: non-coding transcript variant (1), intron variant (2).
Genome position (GRCh38, 1-based): chr11:32,416,527, T>G on the plus strand (A>C on the coding strand, the complement: WT1 is on the minus strand). VCF-style: chr11-32416527-T-G. GRCh37 (hg19) VCF-style: chr11-32438073-T-G.
Other names: c.328A>C, p.Ser110Arg (NM_001198551.2); c.979A>C, p.Ser327Arg (NM_001407044.1, NM_001407046.1, NM_024424.5); c.856A>C, p.Ser286Arg (NM_001407047.1); c.217A>C, p.Ser73Arg (NM_001407051.1); c.965+1050A>C (NM_000378.6); c.314+1050A>C (NM_001198552.2); short protein forms S110R, S327R, S286R, S322R, S73R.
Identifiers: ClinVar variation 1515755 (VCV001515755.6), dbSNP rs1590373542, ClinGen allele CA379961847.
Genomic context (GRCh38, chr11:32,416,527, plus strand): 5'-CCATCTCCGCATTGTCCACTCACTTGCTCTGCCCTTCTGTCCATTTCACTGAGCTGGAGC[T>G]CCCAGCAGCAACTCTAGAAAAGAAGAAGAGGTGGGGAGTGGGGAATGGAGCATGCATGGA-3'
Protein context (NP_077744.4, residues 317-337): GATLKGVAAG[Ser327Arg]SSSVKWTEGQ